The following is an entry in ClinVar:

ClinVar aggregate classification (germline): Uncertain significance. Review status: criteria provided, multiple submitters, no conflicts (2 of 4 stars). 3 submissions from 3 submitters: Uncertain significance (3). Last evaluated 2025-03-26.

Conditions:
Hereditary nonpolyposis colorectal neoplasms. Identifiers: MedGen C0009405, MeSH D003123.
Hereditary cancer-predisposing syndrome. Also called: Tumor predisposition; Hereditary Cancer Syndrome; Neoplastic Syndromes, Hereditary; Hereditary neoplastic syndrome. Identifiers: Orphanet 140162, MedGen C0027672, MeSH D009386, MONDO:0015356.

gnomAD v4.1: 5 of 1,614,170 alleles (0.00031%); highest among the groups gnomAD compares: South Asian, 0.0044%; no homozygotes.

Submissions (3):

Labcorp Genetics (formerly Invitae), Labcorp
Classification: Uncertain significance for Hereditary nonpolyposis colorectal neoplasms. Last evaluated: 2025-03-26. Review status: criteria provided, single submitter. Criteria: Invitae Variant Classification Sherloc (09022015). Collection method: clinical testing. Allele origin: germline.
Comment: This sequence change replaces tyrosine, which is neutral and polar, with phenylalanine, which is neutral and non-polar, at codon 397 of the MSH6 protein (p.Tyr397Phe). This variant is not present in population databases (gnomAD no frequency). This variant has not been reported in the literature in individuals affected with MSH6-related conditions. ClinVar contains an entry for this variant (Variation ID: 627754). Invitae Evidence Modeling of protein sequence and biophysical properties (such as structural, functional, and spatial information, amino acid conservation, physicochemical variation, residue mobility, and thermodynamic stability) indicates that this missense variant is not expected to disrupt MSH6 protein function with a negative predictive value of 95%. In summary, the available evidence is currently insufficient to determine the role of this variant in disease. Therefore, it has been classified as a Variant of Uncertain Significance.

Ambry Genetics
Classification: Uncertain significance for Hereditary cancer-predisposing syndrome. Last evaluated: 2024-07-02. Review status: criteria provided, single submitter. Criteria: Ambry Variant Classification Scheme 2023. Collection method: clinical testing. Allele origin: germline.
Comment: The p.Y397F variant (also known as c.1190A>T), located in coding exon 4 of the MSH6 gene, results from an A to T substitution at nucleotide position 1190. The tyrosine at codon 397 is replaced by phenylalanine, an amino acid with highly similar properties. This amino acid position is not well conserved in available vertebrate species. In addition, the p.Y397F alteration is predicted to be tolerated by in silico analysis. Based on the available evidence, the clinical significance of this variant remains unclear.

Color Diagnostics, LLC DBA Color Health
Classification: Uncertain significance for Hereditary cancer-predisposing syndrome. Last evaluated: 2018-07-16. Review status: criteria provided, single submitter. Criteria: ACMG Guidelines, 2015. Collection method: clinical testing. Allele origin: germline.

Literature cited by the submitters: PubMed 24100870 (cited by Ambry Genetics).

NM_000179.3(MSH6):c.1190A>T (p.Tyr397Phe)

Gene: MSH6 (mutS homolog 6; plus strand). Cytogenetic location: 2p16.3.
Variant type: single nucleotide variant.
Coding change: c.1190A>T on transcript NM_000179.3 (MANE Select); coding-DNA position 1190, A replaced by T.
Protein change: p.Tyr397Phe; replaces tyrosine 397 with phenylalanine.
Molecular consequence: missense variant.
Genome position (GRCh38, 1-based): chr2:47,799,173, A>T. VCF-style: chr2-47799173-A-T. GRCh37 (hg19) VCF-style: chr2-48026312-A-T.
Other names: c.800A>T, p.Tyr267Phe (NM_001281492.2); c.284A>T, p.Tyr95Phe (NM_001281493.2, NM_001281494.2); short protein forms Y397F, Y267F, Y95F.
Identifiers: ClinVar variation 627754 (VCV000627754.17), dbSNP rs63750065, ClinGen allele CA346743349.